The following is an entry in ClinVar:

NM_001283009.2(RTEL1):c.2468A>T (p.Glu823Val)

Genes: RTEL1 (regulator of telomere elongation helicase 1; plus strand), RTEL1-TNFRSF6B (RTEL1-TNFRSF6B readthrough (NMD candidate); plus strand). Cytogenetic location: 20q13.33.
Variant type: single nucleotide variant.
Coding change: c.2468A>T on transcript NM_001283009.2 (MANE Select); coding-DNA position 2468, A replaced by T.
Protein change: p.Glu823Val; replaces glutamic acid 823 with valine.
Molecular consequence: missense variant. On other transcripts: non-coding transcript variant (1).
Genome position (GRCh38, 1-based): chr20:63,690,859, A>T. VCF-style: chr20-63690859-A-T. GRCh37 (hg19) VCF-style: chr20-62322212-A-T.
Other names: c.1799A>T, p.Glu600Val (NM_001283010.1); c.2468A>T, p.Glu823Val (NM_016434.4); c.2540A>T, p.Glu847Val (NM_032957.5); short protein forms E847V, E600V, E823V.
Identifiers: ClinVar variation 5028470 (VCV005028470.1).

ClinVar aggregate classification (germline): Uncertain significance (1 of 4 stars; one submission).

Conditions:
Inborn genetic diseases. Identifiers: MedGen C0950123, MeSH D030342.

Submission:

Ambry Genetics
Classification: Uncertain significance for Inborn genetic diseases. Last evaluated: 2026-07-01. Review status: criteria provided, single submitter. Criteria: Ambry Variant Classification Scheme 2023. Collection method: clinical testing. Allele origin: germline.
Comment: The p.E823V variant (also known as c.2468A>T), located in coding exon 26 of the RTEL1 gene, results from an A to T substitution at nucleotide position 2468. The glutamic acid at codon 823 is replaced by valine, an amino acid with dissimilar properties. This amino acid position is conserved. In addition, this alteration is predicted to be tolerated by in silico analysis. Based on the available evidence, the clinical significance of this variant remains unclear.